The following is an entry in ClinVar:

ClinVar aggregate classification (germline): Uncertain significance. Review status: criteria provided, multiple submitters, no conflicts (2 of 4 stars). 2 submissions from 2 submitters: Uncertain significance (2). Last evaluated 2025-01-24.

Conditions:
Autosomal recessive limb-girdle muscular dystrophy type 2Y (MRRSDC). Also called: Muscular dystrophy, autosomal recessive, with rigid spine and distal joint contractures; Muscular dystrophy, limb-girdle, type 2y. Identifiers: Orphanet 424261, MedGen C4511482, MONDO:0014900, OMIM 617072.
Inborn genetic diseases. Identifiers: MedGen C0950123, MeSH D030342.

Allele frequency attached by ClinVar (database versions not stated): TOPMed 0.00008.
gnomAD v4.1: 12 of 1,531,872 alleles (0.00078%); highest among the groups gnomAD compares: African/African-American, 0.017%; no homozygotes.

Submissions (2):

Ambry Genetics
Classification: Uncertain significance for Inborn genetic diseases. Last evaluated: 2025-01-24. Review status: criteria provided, single submitter. Criteria: Ambry Variant Classification Scheme 2023. Collection method: clinical testing. Allele origin: germline.

Labcorp Genetics (formerly Invitae), Labcorp
Classification: Uncertain significance for Autosomal recessive limb-girdle muscular dystrophy type 2Y. Last evaluated: 2022-02-10. Review status: criteria provided, single submitter. Criteria: Invitae Variant Classification Sherloc (09022015). Collection method: clinical testing. Allele origin: germline.
Comment: This variant is present in population databases (rs548996424, gnomAD 0.01%). This sequence change replaces aspartic acid, which is acidic and polar, with tyrosine, which is neutral and polar, at codon 41 of the TOR1AIP1 protein (p.Asp41Tyr). This variant has not been reported in the literature in individuals affected with TOR1AIP1-related conditions. In summary, the available evidence is currently insufficient to determine the role of this variant in disease. Therefore, it has been classified as a Variant of Uncertain Significance. Algorithms developed to predict the effect of missense changes on protein structure and function are either unavailable or do not agree on the potential impact of this missense change (SIFT: "Deleterious"; PolyPhen-2: "Probably Damaging"; Align-GVGD: "Class C0"). ClinVar contains an entry for this variant (Variation ID: 1002203).

NM_015602.4(TOR1AIP1):c.121G>T (p.Asp41Tyr)

Genes: TOR1AIP1 (torsin 1A interacting protein 1; plus strand), LOC112577517 (Sharpr-MPRA regulatory region 13766; plus strand). Cytogenetic location: 1q25.2.
Variant type: single nucleotide variant.
Coding change: c.121G>T on transcript NM_015602.4 (MANE Select); coding-DNA position 121, G replaced by T.
Protein change: p.Asp41Tyr; replaces aspartic acid 41 with tyrosine.
Molecular consequence: missense variant.
Genome position (GRCh38, 1-based): chr1:179,882,623, G>T. VCF-style: chr1-179882623-G-T. GRCh37 (hg19) VCF-style: chr1-179851758-G-T.
Other names: c.121G>T, p.Asp41Tyr (NM_001267578.2); c.121G>T (NM_015602.2); short protein forms D41Y.
Identifiers: ClinVar variation 1002203 (VCV001002203.4), dbSNP rs548996424, ClinGen allele CA1268657.
Genomic context (GRCh38, chr1:179,882,623, plus strand): 5'-CCCAGGGCCCCCATCCGAGAGGGAAGGGGCCGGCTCGCCCCTCAAAATGGCGGCAGCAGC[G>T]ATGCGCCTGCGTACAGAACTCCTCCGTCGCGCCAGGGCCGGCGGGAAGTGAGGTTCTCGG-3'
Protein context (NP_056417.2, residues 31-51): RLAPQNGGSS[Asp41Tyr]APAYRTPPSR